The following is an entry in ClinVar:

NM_001854.4(COL11A1):c.3168+1G>T

Gene: COL11A1 (collagen type XI alpha 1 chain; minus strand). Cytogenetic location: 1p21.1.
Variant type: single nucleotide variant.
Coding change: c.3168+1G>T on transcript NM_001854.4 (MANE Select); the canonical splice donor site of the intron after coding-DNA position 3168, G replaced by T.
Molecular consequence: splice donor variant.
Genome position (GRCh38, 1-based): chr1:102,961,865, C>A on the plus strand (G>T on the coding strand, the complement: COL11A1 is on the minus strand). VCF-style: chr1-102961865-C-A. GRCh37 (hg19) VCF-style: chr1-103427421-C-A.
Other names: c.3051+1G>T (NM_001190709.2); c.3204+1G>T (NM_080629.3); c.2820+1G>T (NM_080630.4).
Identifiers: ClinVar variation 283544 (VCV000283544.15), dbSNP rs886042653, ClinGen allele CA10604524.

ClinVar aggregate classification (germline): Pathogenic. Review status: criteria provided, multiple submitters, no conflicts (2 of 4 stars). 3 submissions from 3 submitters: Pathogenic (3). Last evaluated 2022-04-04.

Submissions (3):

Labcorp Genetics (formerly Invitae), Labcorp
Classification: Pathogenic. Last evaluated: 2022-04-04. Review status: criteria provided, single submitter. Criteria: Invitae Variant Classification Sherloc (09022015). Collection method: clinical testing. Allele origin: germline.
Comment: Disruption of this splice site has been observed in individual(s) with Stickler syndrome (PMID: 28315471). In at least one individual the variant was observed to be de novo. This variant is not present in population databases (gnomAD no frequency). This sequence change affects a donor splice site in intron 41 of the COL11A1 gene. It is expected to disrupt RNA splicing. Variants that disrupt the donor or acceptor splice site typically lead to a loss of protein function (PMID: 16199547), and loss-of-function variants in COL11A1 are known to be pathogenic (PMID: 20513134, 21035103, 23922384, 25240749, 32427345, 32756486). For these reasons, this variant has been classified as Pathogenic. Algorithms developed to predict the effect of sequence changes on RNA splicing suggest that this variant may disrupt the consensus splice site. ClinVar contains an entry for this variant (Variation ID: 283544).

GeneDx
Classification: Pathogenic. Last evaluated: 2020-03-02. Review status: criteria provided, single submitter. Criteria: GeneDx Variant Classification Process June 2021. Collection method: clinical testing. Allele origin: germline. Affected: yes.
Comment: Deletions involving coding exons of this gene are a known mechanism of disease (Stenson et al., 2014); Not observed in large population cohorts (Lek et al., 2016); Canonical splice site variant expected to result in aberrant splicing, although in the absence of functional evidence the actual effect of this sequence change is unknown.; This variant is associated with the following publications: (PMID: 28315471)

Eurofins Ntd Llc (ga)
Classification: Pathogenic. Last evaluated: 2015-09-29. Review status: criteria provided, single submitter. Criteria: EGL Classification Definitions 2015. Collection method: clinical testing. Allele origin: germline. Observed: 1 variant allele, 1 heterozygote.

Literature cited by the submitters: PubMed 28315471 (cited by Labcorp Genetics (formerly Invitae), Labcorp); PubMed 16199547 (cited by Labcorp Genetics (formerly Invitae), Labcorp); PubMed 20513134 (cited by Labcorp Genetics (formerly Invitae), Labcorp); PubMed 21035103 (cited by Labcorp Genetics (formerly Invitae), Labcorp); PubMed 23922384 (cited by Labcorp Genetics (formerly Invitae), Labcorp); PubMed 25240749 (cited by Labcorp Genetics (formerly Invitae), Labcorp); PubMed 32427345 (cited by Labcorp Genetics (formerly Invitae), Labcorp); PubMed 32756486 (cited by Labcorp Genetics (formerly Invitae), Labcorp).